The following is an entry in ClinVar:

NM_000465.4(BARD1):c.1833T>G (p.Gly611=)

Gene: BARD1 (BRCA1 associated RING domain 1; minus strand). Cytogenetic location: 2q35.
Variant type: single nucleotide variant.
Coding change: c.1833T>G on transcript NM_000465.4 (MANE Select); coding-DNA position 1833, T replaced by G.
Protein change: p.Gly611=; no amino-acid change (glycine 611 retained).
Molecular consequence: synonymous variant. On other transcripts: non-coding transcript variant (3), intron variant (1).
Genome position (GRCh38, 1-based): chr2:214,745,137, A>C on the plus strand (T>G on the coding strand, the complement: BARD1 is on the minus strand). VCF-style: chr2-214745137-A-C. GRCh37 (hg19) VCF-style: chr2-215609861-A-C.
Other names: c.1776T>G, p.Gly592= (NM_001282543.2); c.480T>G, p.Gly160= (NM_001282545.2); c.423T>G, p.Gly141= (NM_001282548.2); c.365-14629T>G (NM_001282549.2).
Identifiers: ClinVar variation 3378541 (VCV003378541.1).

ClinVar aggregate classification (germline): Benign (1 of 4 stars; one submission).

Conditions:
Familial cancer of breast. Also called: hereditary breast carcinoma; Hereditary breast cancer; BREAST CANCER, FAMILIAL. Identifiers: Orphanet 227535, MedGen C0346153, MONDO:0016419, OMIM 114480. Disease mechanism: loss of function.

Submission:

Myriad Genetics, Inc.
Classification: Benign for Familial cancer of breast. Last evaluated: 2024-07-26. Review status: criteria provided, single submitter. Criteria: Myriad Autosomal Dominant, Autosomal Recessive and X-Linked Classification Criteria (2023). Collection method: clinical testing. Allele origin: unknown.
Comment: This variant is considered benign. This variant is a silent/synonymous amino acid change and it is not expected to impact splicing.